The following is an entry in ClinVar:

ClinVar aggregate classification (germline): Uncertain significance. Review status: criteria provided, multiple submitters, no conflicts (2 of 4 stars). 2 submissions from 2 submitters: Uncertain significance (2). Last evaluated 2025-10-06.

Conditions:
Hereditary cancer-predisposing syndrome. Also called: Neoplastic Syndromes, Hereditary; Hereditary Cancer Syndrome; Tumor predisposition; Hereditary neoplastic syndrome. Identifiers: Orphanet 140162, MedGen C0027672, MeSH D009386, MONDO:0015356.

Allele frequency attached by ClinVar (database versions not stated): gnomAD 0.00001; TOPMed 0.00002.

Submissions (2):

Labcorp Genetics (formerly Invitae), Labcorp
Classification: Uncertain significance. Last evaluated: 2025-10-06. Review status: criteria provided, single submitter. Criteria: Invitae Variant Classification Sherloc (09022015). Collection method: clinical testing. Allele origin: germline.
Comment: This sequence change replaces alanine, which is neutral and non-polar, with glutamic acid, which is acidic and polar, at codon 14 of the NTHL1 protein (p.Ala14Glu). This variant is not present in population databases (gnomAD no frequency). This variant has not been reported in the literature in individuals affected with NTHL1-related conditions. ClinVar contains an entry for this variant (Variation ID: 943411). An algorithm developed to predict the effect of missense changes on protein structure and function (PolyPhen-2) suggests that this variant is likely to be tolerated. In summary, the available evidence is currently insufficient to determine the role of this variant in disease. Therefore, it has been classified as a Variant of Uncertain Significance.

Ambry Genetics
Classification: Uncertain significance for Hereditary cancer-predisposing syndrome. Last evaluated: 2024-02-22. Review status: criteria provided, single submitter. Criteria: Ambry Variant Classification Scheme 2023. Collection method: clinical testing. Allele origin: germline.
Comment: The p.A14E variant (also known as c.41C>A), located in coding exon 1 of the NTHL1 gene, results from a C to A substitution at nucleotide position 41. The alanine at codon 14 is replaced by glutamic acid, an amino acid with dissimilar properties. This amino acid position is conserved. In addition, this alteration is predicted to be tolerated by in silico analysis. Based on the available evidence, the clinical significance of this alteration remains unclear.

NM_002528.7(NTHL1):c.17C>A (p.Ala6Glu)

Gene: NTHL1 (nth like DNA glycosylase 1; minus strand). Cytogenetic location: 16p13.3.
Variant type: single nucleotide variant.
Coding change: c.17C>A on transcript NM_002528.7 (MANE Select); coding-DNA position 17, C replaced by A.
Protein change: p.Ala6Glu; replaces alanine 6 with glutamic acid.
Molecular consequence: missense variant. On other transcripts: 5 prime UTR variant (1).
Genome position (GRCh38, 1-based): chr16:2,047,807, G>T on the plus strand (C>A on the coding strand, the complement: NTHL1 is on the minus strand). VCF-style: chr16-2047807-G-T. GRCh37 (hg19) VCF-style: chr16-2097808-G-T.
Other names: c.17C>A, p.Ala6Glu (NM_001318193.2); c.-162C>A (NM_001318194.2); c.41C>A (NM_002528.5); short protein forms A6E.
Identifiers: ClinVar variation 943411 (VCV000943411.9), dbSNP rs767282292, ClinGen allele CA276766775.
Genomic context (GRCh38, chr16:2,047,807, plus strand): 5'-TCCCTACACCCCCGCGGCCCAGCCCCGGGTCCCAGGCTCCGGCTCCGGGTCAGCATCCTC[G>T]CGCTCAAGGCGGTCATGCCGGACTCCTGCGGACTACACATCCCGGCGGCCCATGCGGCCC-3'
Protein context (NP_002519.2, residues 1-16): MTALS[Ala6Glu]RMLTRSRSLG